The following is an entry in ClinVar:

ClinVar aggregate classification (germline): Likely benign. Review status: criteria provided, multiple submitters, no conflicts (2 of 4 stars). 3 submissions from 3 submitters: Likely benign (2). 1 of the submissions does not count toward it. Last evaluated 2025-07-27.

Conditions:
COL11A2-related disorder. Also called: COL11A2-related condition; COL11A2-related disorders.

Allele frequency attached by ClinVar (database versions not stated): gnomAD exomes below 0.00001 and 0.00002; TOPMed below 0.00001; ExAC 0.00001; gnomAD 0.00001; ESP Exome Variant Server 0.00012.
gnomAD v4.1: 30 of 1,613,034 alleles (0.0019%); highest among the groups gnomAD compares: Non-Finnish European, 0.0025%; no homozygotes.

Submissions (3):

Labcorp Genetics (formerly Invitae), Labcorp
Classification: Likely benign. Last evaluated: 2025-07-27. Review status: criteria provided, single submitter. Criteria: Invitae Variant Classification Sherloc (09022015). Collection method: clinical testing. Allele origin: germline.

GeneDx
Classification: Likely benign. Last evaluated: 2020-10-08. Review status: criteria provided, single submitter. Criteria: GeneDx Variant Classification Process June 2021. Collection method: clinical testing. Allele origin: germline. Affected: yes.

PreventionGenetics, part of Exact Sciences
Classification: Likely benign for COL11A2-related condition. Last evaluated: 2021-02-16. Review status: no assertion criteria provided. Collection method: clinical testing. Allele origin: germline. Not counted in ClinVar's aggregate classification.
Comment: This variant is classified as likely benign based on ACMG/AMP sequence variant interpretation guidelines (Richards et al. 2015 PMID: 25741868, with internal and published modifications).

NM_080680.3(COL11A2):c.144G>A (p.Arg48=)

Gene: COL11A2 (collagen type XI alpha 2 chain; minus strand). Cytogenetic location: 6p21.32.
Variant type: single nucleotide variant.
Coding change: c.144G>A on transcript NM_080680.3 (MANE Select); coding-DNA position 144, G replaced by A.
Protein change: p.Arg48=; no amino-acid change (arginine 48 retained).
Molecular consequence: synonymous variant.
Genome position (GRCh38, 1-based): chr6:33,189,408, C>T on the plus strand (G>A on the coding strand, the complement: COL11A2 is on the minus strand). VCF-style: chr6-33189408-C-T. GRCh37 (hg19) VCF-style: chr6-33157185-C-T.
Other names: c.144G>A, p.Arg48= (NM_001163771.2, NM_080679.3, NM_080681.3).
Identifiers: ClinVar variation 1200328 (VCV001200328.13), dbSNP rs373983197, ClinGen allele CA3751745.